The following is an entry in ClinVar:

ClinVar aggregate classification (germline): Uncertain significance. Review status: criteria provided, multiple submitters, no conflicts (2 of 4 stars). 2 submissions from 2 submitters: Uncertain significance (2). Last evaluated 2024-07-10.

Conditions:
Inborn genetic diseases. Identifiers: MedGen C0950123, MeSH D030342.
Evans syndrome, immunodeficiency, and premature immunosenescence associated with tripeptidyl-peptidase II deficiency. Identifiers: MedGen CN231723. Disease mechanism: loss of function.

Allele frequency attached by ClinVar (database versions not stated): TOPMed below 0.00001; gnomAD 0.00001.
gnomAD v4.1: 11 of 1,613,904 alleles (0.00068%); highest among the groups gnomAD compares: South Asian, 0.0044%; no homozygotes.

Submissions (2):

Ambry Genetics
Classification: Uncertain significance for Inborn genetic diseases. Last evaluated: 2024-07-10. Review status: criteria provided, single submitter. Criteria: Ambry Variant Classification Scheme 2023. Collection method: clinical testing. Allele origin: germline.

Labcorp Genetics (formerly Invitae), Labcorp
Classification: Uncertain significance for Evans syndrome, immunodeficiency, and premature immunosenescence associated with tripeptidyl-peptidase II deficiency. Last evaluated: 2021-08-20. Review status: criteria provided, single submitter. Criteria: Invitae Variant Classification Sherloc (09022015). Collection method: clinical testing. Allele origin: germline.
Comment: This sequence change replaces asparagine with serine at codon 771 of the TPP2 protein (p.Asn771Ser). The asparagine residue is moderately conserved and there is a small physicochemical difference between asparagine and serine. This variant is not present in population databases (ExAC no frequency). This variant has not been reported in the literature in individuals affected with TPP2-related conditions. Algorithms developed to predict the effect of missense changes on protein structure and function (SIFT, PolyPhen-2, Align-GVGD) all suggest that this variant is likely to be tolerated. In summary, the available evidence is currently insufficient to determine the role of this variant in disease. Therefore, it has been classified as a Variant of Uncertain Significance.

NM_001330588.2(TPP2):c.2312A>G (p.Asn771Ser)

Gene: TPP2 (tripeptidyl peptidase 2; plus strand). Cytogenetic location: 13q33.1.
Variant type: single nucleotide variant.
Coding change: c.2312A>G on transcript NM_001330588.2 (MANE Select); coding-DNA position 2312, A replaced by G.
Protein change: p.Asn771Ser; replaces asparagine 771 with serine.
Molecular consequence: missense variant. On other transcripts: non-coding transcript variant (1).
Genome position (GRCh38, 1-based): chr13:102,644,928, A>G. VCF-style: chr13-102644928-A-G. GRCh37 (hg19) VCF-style: chr13-103297278-A-G.
Other names: c.2312A>G, p.Asn771Ser (NM_001367947.1, NM_003291.4); c.2312A>G (NM_003291.2); short protein forms N771S.
Identifiers: ClinVar variation 1941947 (VCV001941947.3), dbSNP rs758760400, ClinGen allele CA255164586.